The following is an entry in ClinVar:

NM_182943.3(PLOD2):c.2158A>G (p.Ile720Val)

Gene: PLOD2 (procollagen-lysine,2-oxoglutarate 5-dioxygenase 2; minus strand). Cytogenetic location: 3q24.
Variant type: single nucleotide variant.
Coding change: c.2158A>G on transcript NM_182943.3 (MANE Select); coding-DNA position 2158, A replaced by G.
Protein change: p.Ile720Val; replaces isoleucine 720 with valine.
Molecular consequence: missense variant.
Genome position (GRCh38, 1-based): chr3:146,070,836, T>C on the plus strand (A>G on the coding strand, the complement: PLOD2 is on the minus strand). VCF-style: chr3-146070836-T-C. GRCh37 (hg19) VCF-style: chr3-145788623-T-C.
Other names: c.2095A>G, p.Ile699Val (NM_000935.3); c.2095A>G (NM_000935.2); short protein forms I699V, I720V.
Identifiers: ClinVar variation 1413037 (VCV001413037.9), dbSNP rs377413994, ClinGen allele CA2654668.
Genomic context (GRCh38, chr3:146,070,836, plus strand): 5'-CATGCAAATGTGTGAGTCTCCCAGGATGCATGAAGCTCCAGCCTTTTCGTGGTGACTCAA[T>C]AGAGCAATTGTACCTTAGAAATTTGCAACCACCTCCCTAAAAAAGTTAAAATGAAGAAAT-3'
Protein context (NP_891988.1, residues 710-730): GCKFLRYNCS[Ile720Val]ESPRKGWSFM

ClinVar aggregate classification (germline): Uncertain significance. Review status: criteria provided, multiple submitters, no conflicts (2 of 4 stars). 2 submissions from 2 submitters: Uncertain significance (2). Last evaluated 2025-05-05.

Conditions:
Inborn genetic diseases. Identifiers: MedGen C0950123, MeSH D030342.

Allele frequency attached by ClinVar (database versions not stated): TOPMed 0.00003; gnomAD 0.00004; ExAC 0.00006; gnomAD exomes 0.00007; ESP Exome Variant Server 0.00008.
gnomAD v4.1: 48 of 1,610,658 alleles (0.003%); highest among the groups gnomAD compares: East Asian, 0.013%; no homozygotes.

Submissions (2):

Ambry Genetics
Classification: Uncertain significance for Inborn genetic diseases. Last evaluated: 2025-05-05. Review status: criteria provided, single submitter. Criteria: Ambry Variant Classification Scheme 2023. Collection method: clinical testing. Allele origin: germline.

Labcorp Genetics (formerly Invitae), Labcorp
Classification: Uncertain significance. Last evaluated: 2024-02-17. Review status: criteria provided, single submitter. Criteria: Invitae Variant Classification Sherloc (09022015). Collection method: clinical testing. Allele origin: germline.
Comment: This sequence change replaces isoleucine, which is neutral and non-polar, with valine, which is neutral and non-polar, at codon 720 of the PLOD2 protein (p.Ile720Val). This variant is present in population databases (rs377413994, gnomAD 0.02%). This variant has not been reported in the literature in individuals affected with PLOD2-related conditions. ClinVar contains an entry for this variant (Variation ID: 1413037). Advanced modeling of protein sequence and biophysical properties (such as structural, functional, and spatial information, amino acid conservation, physicochemical variation, residue mobility, and thermodynamic stability) performed at Invitae indicates that this missense variant is not expected to disrupt PLOD2 protein function with a negative predictive value of 80%. In summary, the available evidence is currently insufficient to determine the role of this variant in disease. Therefore, it has been classified as a Variant of Uncertain Significance.